The following is an entry in ClinVar:

NM_017654.4(SAMD9):c.339A>T (p.Lys113Asn)

Gene: SAMD9 (sterile alpha motif domain containing 9; minus strand). Cytogenetic location: 7q21.2.
Variant type: single nucleotide variant.
Coding change: c.339A>T on transcript NM_017654.4 (MANE Select); coding-DNA position 339, A replaced by T.
Protein change: p.Lys113Asn; replaces lysine 113 with asparagine.
Molecular consequence: missense variant.
Genome position (GRCh38, 1-based): chr7:93,105,759, T>A on the plus strand (A>T on the coding strand, the complement: SAMD9 is on the minus strand). VCF-style: chr7-93105759-T-A. GRCh37 (hg19) VCF-style: chr7-92735072-T-A.
Other names: c.339A>T, p.Lys113Asn (NM_001193307.2); short protein forms K113N.
Identifiers: ClinVar variation 4802489 (VCV004802489.1).

ClinVar aggregate classification (germline): Uncertain significance (1 of 4 stars; one submission).

Submission:

Labcorp Genetics (formerly Invitae), Labcorp
Classification: Uncertain significance. Last evaluated: 2025-03-05. Review status: criteria provided, single submitter. Criteria: Invitae Variant Classification Sherloc (09022015). Collection method: clinical testing. Allele origin: germline.
Comment: This sequence change replaces lysine, which is basic and polar, with asparagine, which is neutral and polar, at codon 113 of the SAMD9 protein (p.Lys113Asn). This variant is not present in population databases (gnomAD no frequency). This variant has not been reported in the literature in individuals affected with SAMD9-related conditions. Invitae Evidence Modeling of protein sequence and biophysical properties (such as structural, functional, and spatial information, amino acid conservation, physicochemical variation, residue mobility, and thermodynamic stability) indicates that this missense variant is not expected to disrupt SAMD9 protein function with a negative predictive value of 95%. In summary, the available evidence is currently insufficient to determine the role of this variant in disease. Therefore, it has been classified as a Variant of Uncertain Significance.